The following is an entry in ClinVar:

ClinVar aggregate classification (germline): Benign. Review status: criteria provided, multiple submitters, no conflicts (2 of 4 stars). 3 submissions from 3 submitters: Benign (3). Last evaluated 2024-07-15.

Allele frequency attached by ClinVar (database versions not stated): 1000 Genomes Project 30x 0.99032; 1000 Genomes Project 0.99181; TOPMed 0.99382; gnomAD 0.99423 and 0.99456.
gnomAD v4.1: 1,463,442 of 1,464,914 alleles (100%); highest among the groups gnomAD compares: East Asian, 100%; 730,996 homozygotes.

Submissions (3):

Unidad de Genómica Garrahan, Hospital de Pediatría Garrahan
Classification: Benign. Last evaluated: 2024-07-15. Review status: criteria provided, single submitter. Criteria: ACMG Guidelines, 2015. Collection method: clinical testing. Allele origin: germline. Affected: no. Observed: 93 variant alleles.
Comment: This variant is classified as Benign based on local population frequency. This variant was detected in 100% of patients studied in a panel designed for Epileptic and Developmental Encephalopathy and Progressive Myoclonus Epilepsy. Number of patients: 93. Only high quality variants are reported.

GeneDx
Classification: Benign. Last evaluated: 2018-06-25. Review status: criteria provided, single submitter. Criteria: GeneDx Variant Classification Process June 2021. Collection method: clinical testing. Allele origin: germline. Affected: yes.

Breakthrough Genomics
Classification: Benign. Review status: criteria provided, single submitter. Criteria: ACMG Guidelines, 2015. Collection method: not provided. Allele origin: germline. Inheritance: Autosomal dominant inheritance. Affected: yes.

NM_000834.5(GRIN2B):c.1500+73G>A

Gene: GRIN2B (glutamate ionotropic receptor NMDA type subunit 2B; minus strand). Cytogenetic location: 12p13.1.
Variant type: single nucleotide variant.
Coding change: c.1500+73G>A on transcript NM_000834.5 (MANE Select); 73 bases into the intron after coding-DNA position 1500, G replaced by A.
Molecular consequence: intron variant.
Genome position (GRCh38, 1-based): chr12:13,615,420, C>T on the plus strand (G>A on the coding strand, the complement: GRIN2B is on the minus strand). VCF-style: chr12-13615420-C-T. GRCh37 (hg19) VCF-style: chr12-13768354-C-T.
Identifiers: ClinVar variation 1265439 (VCV001265439.5), dbSNP rs1468845, ClinGen allele CA233011098.